The following is an entry in ClinVar:

ClinVar aggregate classification (germline): Uncertain significance (1 of 4 stars; one submission).

Conditions:
Duchenne muscular dystrophy (DMD). Also called: MUSCULAR DYSTROPHY, PSEUDOHYPERTROPHIC PROGRESSIVE, DUCHENNE TYPE; Duchenne Muscular Dystrophy (DMD). Identifiers: Orphanet 98896, MedGen C0013264, MONDO:0010679, OMIM 310200.

Allele frequency attached by ClinVar (database versions not stated): gnomAD exomes below 0.00001.
gnomAD v4.1: 1 of 1,192,152 alleles (0.000084%); highest among the groups gnomAD compares: African/African-American, 0.0017%; no homozygotes.

Submission:

Labcorp Genetics (formerly Invitae), Labcorp
Classification: Uncertain significance for Duchenne muscular dystrophy. Last evaluated: 2023-03-06. Review status: criteria provided, single submitter. Criteria: Invitae Variant Classification Sherloc (09022015). Collection method: clinical testing. Allele origin: germline.
Comment: Advanced modeling of protein sequence and biophysical properties (such as structural, functional, and spatial information, amino acid conservation, physicochemical variation, residue mobility, and thermodynamic stability) performed at Invitae indicates that this missense variant is not expected to disrupt DMD protein function. ClinVar contains an entry for this variant (Variation ID: 1001377). This missense change has been observed in individual(s) with clinical features of DMD-related conditions (PMID: 16770791). This variant is not present in population databases (gnomAD no frequency). This sequence change replaces arginine, which is basic and polar, with lysine, which is basic and polar, at codon 3673 of the DMD protein (p.Arg3673Lys). In summary, the available evidence is currently insufficient to determine the role of this variant in disease. Therefore, it has been classified as a Variant of Uncertain Significance.

Literature cited by the submitters: PubMed 16770791.

NM_004006.3(DMD):c.11018G>A (p.Arg3673Lys)

Gene: DMD (dystrophin; minus strand). Cytogenetic location: Xp21.2.
Variant type: single nucleotide variant.
Coding change: c.11018G>A on transcript NM_004006.3 (MANE Select); coding-DNA position 11018, G replaced by A.
Protein change: p.Arg3673Lys; replaces arginine 3673 with lysine.
Molecular consequence: missense variant. On other transcripts: intron variant (5).
Genome position (GRCh38, 1-based): chrX:31,126,670, C>T on the plus strand (G>A on the coding strand, the complement: DMD is on the minus strand). VCF-style: chrX-31126670-C-T. GRCh37 (hg19) VCF-style: chrX-31144787-C-T.
Other names: c.10994G>A, p.Arg3665Lys (NM_000109.4); c.11006G>A, p.Arg3669Lys (NM_004009.3); c.10649G>A, p.Arg3550Lys (NM_004010.3); c.6995G>A, p.Arg2332Lys (NM_004011.4); c.6986G>A, p.Arg2329Lys (NM_004012.4); c.3638G>A, p.Arg1213Lys (NM_004013.3); c.2831G>A, p.Arg944Lys (NM_004014.3); c.1814G>A, p.Arg605Lys (NM_004015.3); and 7 more; short protein forms R1103K, R1213K, R2329K, R2332K, R3550K, R3665K, R3669K, R3673K.
Identifiers: ClinVar variation 1001377 (VCV001001377.9), dbSNP rs1795743, ClinGen allele CA328401176.